The following is an entry in ClinVar:

ClinVar aggregate classification (germline): Uncertain significance (1 of 4 stars; one submission).

Submission:

Labcorp Genetics (formerly Invitae), Labcorp
Classification: Uncertain significance. Last evaluated: 2023-12-30. Review status: criteria provided, single submitter. Criteria: Invitae Variant Classification Sherloc (09022015). Collection method: clinical testing. Allele origin: germline.
Comment: This sequence change replaces tyrosine, which is neutral and polar, with cysteine, which is neutral and slightly polar, at codon 499 of the GANAB protein (p.Tyr499Cys). This variant is not present in population databases (gnomAD no frequency). This variant has not been reported in the literature in individuals affected with GANAB-related conditions. Advanced modeling of protein sequence and biophysical properties (such as structural, functional, and spatial information, amino acid conservation, physicochemical variation, residue mobility, and thermodynamic stability) performed at Invitae indicates that this missense variant is expected to disrupt GANAB protein function with a positive predictive value of 80%. In summary, the available evidence is currently insufficient to determine the role of this variant in disease. Therefore, it has been classified as a Variant of Uncertain Significance.

NM_198334.3(GANAB):c.1430A>G (p.Tyr477Cys)

Gene: GANAB (glucosidase II alpha subunit; minus strand). Cytogenetic location: 11q12.3.
Variant type: single nucleotide variant.
Coding change: c.1430A>G on transcript NM_198334.3 (MANE Select); coding-DNA position 1430, A replaced by G.
Protein change: p.Tyr477Cys; replaces tyrosine 477 with cysteine.
Molecular consequence: missense variant.
Genome position (GRCh38, 1-based): chr11:62,630,462, T>C on the plus strand (A>G on the coding strand, the complement: GANAB is on the minus strand). VCF-style: chr11-62630462-T-C. GRCh37 (hg19) VCF-style: chr11-62397934-T-C.
Other names: c.1154A>G, p.Tyr385Cys (NM_001278192.2); c.1088A>G, p.Tyr363Cys (NM_001278193.2); c.1139A>G, p.Tyr380Cys (NM_001278194.2, NM_001329222.2, NM_001329223.2); c.707A>G, p.Tyr236Cys (NM_001329224.2, NM_001329225.2); c.1496A>G, p.Tyr499Cys (NM_198335.4); short protein forms Y477C, Y236C, Y363C, Y385C, Y499C, Y380C.
Identifiers: ClinVar variation 2706702 (VCV002706702.3), dbSNP rs2496333701, ClinGen allele CA380992736.
Genomic context (GRCh38, chr11:62,630,462, plus strand): 5'-TCAGAGCCATCCCGGGTTTTAACATACAGCCCCAGGTTCCGCAGCTCCTCGTGAACTCGG[T>C]AGCCGGAGTCCACCTTGATGTGGGGGTCTACGATGGCCACCAGCTGGGGGCAAGGAACAG-3'
Protein context (NP_938148.1, residues 467-487): VDPHIKVDSG[Tyr477Cys]RVHEELRNLG